The following is an entry in ClinVar:

ClinVar aggregate classification (germline): Uncertain significance. Review status: criteria provided, multiple submitters, no conflicts (2 of 4 stars). 2 submissions from 2 submitters: Uncertain significance (2). Last evaluated 2024-12-28.

Conditions:
Inborn genetic diseases. Identifiers: MedGen C0950123, MeSH D030342.

Allele frequency attached by ClinVar (database versions not stated): gnomAD 0.00001; gnomAD exomes 0.00001; TOPMed 0.00001.
gnomAD v4.1: 22 of 1,613,608 alleles (0.0014%); highest among the groups gnomAD compares: Non-Finnish European, 0.0016%; no homozygotes.

Submissions (2):

Ambry Genetics
Classification: Uncertain significance for Inborn genetic diseases. Last evaluated: 2024-12-28. Review status: criteria provided, single submitter. Criteria: Ambry Variant Classification Scheme 2023. Collection method: clinical testing. Allele origin: germline.

Labcorp Genetics (formerly Invitae), Labcorp
Classification: Uncertain significance. Last evaluated: 2024-02-02. Review status: criteria provided, single submitter. Criteria: Invitae Variant Classification Sherloc (09022015). Collection method: clinical testing. Allele origin: germline.
Comment: This sequence change replaces phenylalanine, which is neutral and non-polar, with leucine, which is neutral and non-polar, at codon 578 of the DCHS1 protein (p.Phe578Leu). This variant is present in population databases (no rsID available, gnomAD 0.0009%). This variant has not been reported in the literature in individuals affected with DCHS1-related conditions. ClinVar contains an entry for this variant (Variation ID: 2258613). Advanced modeling of protein sequence and biophysical properties (such as structural, functional, and spatial information, amino acid conservation, physicochemical variation, residue mobility, and thermodynamic stability) has been performed at Invitae for this missense variant, however the output from this modeling did not meet the statistical confidence thresholds required to predict the impact of this variant on DCHS1 protein function. In summary, the available evidence is currently insufficient to determine the role of this variant in disease. Therefore, it has been classified as a Variant of Uncertain Significance.

NM_003737.4(DCHS1):c.1732T>C (p.Phe578Leu)

Gene: DCHS1 (dachsous cadherin-related 1; minus strand). Cytogenetic location: 11p15.4.
Variant type: single nucleotide variant.
Coding change: c.1732T>C on transcript NM_003737.4 (MANE Select); coding-DNA position 1732, T replaced by C.
Protein change: p.Phe578Leu; replaces phenylalanine 578 with leucine.
Molecular consequence: missense variant.
Genome position (GRCh38, 1-based): chr11:6,639,882, A>G on the plus strand (T>C on the coding strand, the complement: DCHS1 is on the minus strand). VCF-style: chr11-6639882-A-G. GRCh37 (hg19) VCF-style: chr11-6661113-A-G.
Other names: short protein forms F578L.
Identifiers: ClinVar variation 2258613 (VCV002258613.6), dbSNP rs1382206365, ClinGen allele CA379430036.